The following is an entry in ClinVar:

NM_194277.3(FRMD7):c.1229G>T (p.Ser410Ile)

Gene: FRMD7 (FERM domain containing 7; minus strand). Cytogenetic location: Xq26.2.
Variant type: single nucleotide variant.
Coding change: c.1229G>T on transcript NM_194277.3 (MANE Select); coding-DNA position 1229, G replaced by T.
Protein change: p.Ser410Ile; replaces serine 410 with isoleucine.
Molecular consequence: missense variant.
Genome position (GRCh38, 1-based): chrX:132,078,788, C>A on the plus strand (G>T on the coding strand, the complement: FRMD7 is on the minus strand). VCF-style: chrX-132078788-C-A. GRCh37 (hg19) VCF-style: chrX-131212816-C-A.
Other names: c.1184G>T, p.Ser395Ile (NM_001306193.2); short protein forms S395I, S410I.
Identifiers: ClinVar variation 2104209 (VCV002104209.4), dbSNP rs2520704449, ClinGen allele CA414679560.

ClinVar aggregate classification (germline): Uncertain significance (1 of 4 stars; one submission).

Submission:

Labcorp Genetics (formerly Invitae), Labcorp
Classification: Uncertain significance. Last evaluated: 2022-07-14. Review status: criteria provided, single submitter. Criteria: Invitae Variant Classification Sherloc (09022015). Collection method: clinical testing. Allele origin: germline.
Comment: This sequence change replaces serine, which is neutral and polar, with isoleucine, which is neutral and non-polar, at codon 410 of the FRMD7 protein (p.Ser410Ile). This variant is not present in population databases (gnomAD no frequency). This variant has not been reported in the literature in individuals affected with FRMD7-related conditions. Algorithms developed to predict the effect of missense changes on protein structure and function are either unavailable or do not agree on the potential impact of this missense change (SIFT: "Deleterious"; PolyPhen-2: "Probably Damaging"; Align-GVGD: "Class C0"). In summary, the available evidence is currently insufficient to determine the role of this variant in disease. Therefore, it has been classified as a Variant of Uncertain Significance.